The following is an entry in ClinVar:

NM_000138.5(FBN1):c.4485C>T (p.Thr1495=)

Gene: FBN1 (fibrillin 1; minus strand). Cytogenetic location: 15q21.1.
Variant type: single nucleotide variant.
Coding change: c.4485C>T on transcript NM_000138.5 (MANE Select); coding-DNA position 4485, C replaced by T.
Protein change: p.Thr1495=; no amino-acid change (threonine 1495 retained).
Molecular consequence: synonymous variant.
Genome position (GRCh38, 1-based): chr15:48,468,509, G>A on the plus strand (C>T on the coding strand, the complement: FBN1 is on the minus strand). VCF-style: chr15-48468509-G-A. GRCh37 (hg19) VCF-style: chr15-48760706-G-A.
Other names: c.4485C>T, p.Thr1495= (NM_001406716.1).
Identifiers: ClinVar variation 3072064 (VCV003072064.2), dbSNP rs761288191, ClinGen allele CA053167.
Genomic context (GRCh38, chr15:48,468,509, plus strand): 5'-AGGTGGGCAGTCACAGATATAGCTGCCTGGAGTGTTGACACAGTTCCCACTGATGCACGT[G>A]GTTGGATCCAGGCATTCATTCACATCTAAAACCGAACAGTGAGTAGTGGAGTTATCACCT-3'
Protein context (NP_000129.3, residues 1485-1505): CTDVNECLDP[Thr1495=]TCISGNCVNT

ClinVar aggregate classification (germline): Likely benign. Review status: criteria provided, multiple submitters, no conflicts (2 of 4 stars). 2 submissions from 2 submitters: Likely benign (2). Last evaluated 2024-02-23.

Conditions:
Familial thoracic aortic aneurysm and aortic dissection (TAAD). Also called: Thoracic aortic aneurysms and dissections. Identifiers: Orphanet 91387, MedGen C4707243, MONDO:0019625.
Marfan syndrome (MFS). Also called: MARFAN SYNDROME, TYPE I; Marfan syndrome type 1; Marfan's syndrome; Marfan syndrome, classic; FBN1-Related Marfan Syndrome. Identifiers: Orphanet 284963, Orphanet 558, MedGen C0024796, MONDO:0007947, OMIM 154700.

Allele frequency attached by ClinVar (database versions not stated): gnomAD 0.00001; ExAC 0.00001.
gnomAD v4.1: 1 of 1,613,928 alleles (0.000062%); highest among the groups gnomAD compares: African/African-American, 0.0013%; no homozygotes.

Submissions (2):

Ambry Genetics
Classification: Likely benign for Familial thoracic aortic aneurysm and aortic dissection. Last evaluated: 2024-02-23. Review status: criteria provided, single submitter. Criteria: Ambry Variant Classification Scheme 2023. Collection method: clinical testing. Allele origin: germline.

All of Us Research Program, National Institutes of Health
Classification: Likely benign for Marfan syndrome. Last evaluated: 2023-11-02. Review status: criteria provided, single submitter. Criteria: ACMG Guidelines, 2015. Collection method: clinical testing. Allele origin: germline. Inheritance: Autosomal dominant inheritance. Observed: 2 variant alleles, 2 heterozygotes.
Comment: This study involves interpretation of variants in research participants for the purpose of population health screening. Participant phenotype was not available at the time of variant classification. Additional details can be found in publication PMID: 35346344, PMCID: PMC8962531